The following is an entry in ClinVar:

NM_002778.4(PSAP):c.1422C>G (p.Phe474Leu)

Gene: PSAP (prosaposin; minus strand). Cytogenetic location: 10q22.1.
Variant type: single nucleotide variant.
Coding change: c.1422C>G on transcript NM_002778.4 (MANE Select); coding-DNA position 1422, C replaced by G.
Protein change: p.Phe474Leu; replaces phenylalanine 474 with leucine.
Molecular consequence: missense variant.
Genome position (GRCh38, 1-based): chr10:71,819,040, G>C on the plus strand (C>G on the coding strand, the complement: PSAP is on the minus strand). VCF-style: chr10-71819040-G-C. GRCh37 (hg19) VCF-style: chr10-73578797-G-C.
Other names: c.1422C>G (NM_002778.2); c.1431C>G, p.Phe477Leu (NM_001042465.3); c.1428C>G, p.Phe476Leu (NM_001042466.3); short protein forms F474L, F476L, F477L.
Identifiers: ClinVar variation 2170622 (VCV002170622.4), dbSNP rs528318545, ClinGen allele CA5547361.
Genomic context (GRCh38, chr10:71,819,040, plus strand): 5'-CCCCCCAGGTTACAGCTGCCCGAGAGGACCACACCACCCAGTGAGGCTCACCAAGCACAC[G>C]AAGGAAGGATCCATCACCTCCACCAGGATCTCGATCAGCACGGGCTCGTACTCTGCCACA-3'
Protein context (NP_002769.1, residues 464-484): EILVEVMDPS[Phe474Leu]VCLKIGACPS

ClinVar aggregate classification (germline): Uncertain significance. Review status: criteria provided, multiple submitters, no conflicts (2 of 4 stars). 2 submissions from 2 submitters: Uncertain significance (2). Last evaluated 2025-06-26.

Conditions:
Inborn genetic diseases. Identifiers: MedGen C0950123, MeSH D030342.
Sphingolipid activator protein 1 deficiency. Also called: Metachromatic leukodystrophy due to saposin B deficiency; Saposin B Deficiency; METACHROMATIC LEUKODYSTROPHY DUE TO CEREBROSIDE SULFATASE ACTIVATOR DEFICIENCY. Identifiers: Orphanet 512, MedGen C0268262, MONDO:0009590, OMIM 249900.

Submissions (3):

Ambry Genetics
Classification: Uncertain significance for Inborn genetic diseases. Last evaluated: 2025-06-26. Review status: criteria provided, single submitter. Criteria: Ambry Variant Classification Scheme 2023. Collection method: clinical testing. Allele origin: germline.

Labcorp Genetics (formerly Invitae), Labcorp
Classification: Uncertain significance for Sphingolipid activator protein 1 deficiency. Last evaluated: 2024-03-25. Review status: criteria provided, single submitter. Criteria: Invitae Variant Classification Sherloc (09022015). Collection method: clinical testing. Allele origin: germline.
Comment: This sequence change replaces phenylalanine, which is neutral and non-polar, with leucine, which is neutral and non-polar, at codon 474 of the PSAP protein (p.Phe474Leu). This variant is present in population databases (rs528318545, gnomAD 0.009%). This variant has not been reported in the literature in individuals affected with PSAP-related conditions. ClinVar contains an entry for this variant (Variation ID: 2170622). Advanced modeling of protein sequence and biophysical properties (such as structural, functional, and spatial information, amino acid conservation, physicochemical variation, residue mobility, and thermodynamic stability) performed at Invitae indicates that this missense variant is not expected to disrupt PSAP protein function with a negative predictive value of 80%. In summary, the available evidence is currently insufficient to determine the role of this variant in disease. Therefore, it has been classified as a Variant of Uncertain Significance.

Dr. Peter K. Rogan Lab, Western University
No classification provided (evidence only). Condition: Melanoma. Review status: no classification provided. Collection method: in vitro. Allele origin: not applicable. Functional consequence: skipped exon. Not counted in ClinVar's aggregate classification.